The following is an entry in ClinVar:

ClinVar aggregate classification (germline): Uncertain significance (1 of 4 stars; one submission).

Conditions:
Fanconi anemia (FA). Also called: Fanconi's anemia. Identifiers: Orphanet 84, MedGen C0015625, MeSH D005199, MONDO:0019391.

Allele frequency attached by ClinVar (database versions not stated): ExAC 0.00001; gnomAD 0.00001; gnomAD exomes 0.00001 and 0.00002; TOPMed 0.00002; 1000 Genomes Project 30x 0.00016; 1000 Genomes Project 0.00020.
gnomAD v4.1: 8 of 1,613,932 alleles (0.0005%); highest among the groups gnomAD compares: Admixed American, 0.01%; no homozygotes.

Submission:

Labcorp Genetics (formerly Invitae), Labcorp
Classification: Uncertain significance for Fanconi anemia. Last evaluated: 2022-03-04. Review status: criteria provided, single submitter. Criteria: Invitae Variant Classification Sherloc (09022015). Collection method: clinical testing. Allele origin: germline.
Comment: This sequence change replaces proline, which is neutral and non-polar, with threonine, which is neutral and polar, at codon 78 of the FANCF protein (p.Pro78Thr). This variant is present in population databases (rs554712164, gnomAD 0.009%). This variant has not been reported in the literature in individuals affected with FANCF-related conditions. Algorithms developed to predict the effect of missense changes on protein structure and function (SIFT, PolyPhen-2, Align-GVGD) all suggest that this variant is likely to be tolerated. In summary, the available evidence is currently insufficient to determine the role of this variant in disease. Therefore, it has been classified as a Variant of Uncertain Significance.

NM_022725.4(FANCF):c.232C>A (p.Pro78Thr)

Gene: FANCF (FA complementation group F; minus strand). Cytogenetic location: 11p14.3.
Variant type: single nucleotide variant.
Coding change: c.232C>A on transcript NM_022725.4 (MANE Select); coding-DNA position 232, C replaced by A.
Protein change: p.Pro78Thr; replaces proline 78 with threonine.
Molecular consequence: missense variant.
Genome position (GRCh38, 1-based): chr11:22,625,579, G>T on the plus strand (C>A on the coding strand, the complement: FANCF is on the minus strand). VCF-style: chr11-22625579-G-T. GRCh37 (hg19) VCF-style: chr11-22647125-G-T.
Other names: short protein forms P78T.
Identifiers: ClinVar variation 1478020 (VCV001478020.5), dbSNP rs554712164, ClinGen allele CA5924396.